The following continues an entry in ClinVar:

NM_001276345.2(TNNT2):c.862C>T (p.Arg288Cys)

Gene: TNNT2. ClinVar aggregate classification (germline): Likely benign. Likely benign (1).

Submissions 21 to 36 of 36:

Victorian Clinical Genetics Services, Murdoch Childrens Research Institute
Classification: Uncertain significance for Hypertrophic cardiomyopathy 2. Last evaluated: 2022-09-02. Review status: criteria provided, single submitter. Criteria: ACMG Guidelines, 2015. Collection method: clinical testing. Allele origin: germline. Inheritance: Autosomal dominant inheritance. Affected: yes. Not counted in ClinVar's aggregate classification.
Comment: Based on the classification scheme VCGS_Germline_v1.3.4, this variant is classified as VUS-3C. Following criteria are met: 0105 - The mechanism of disease for this gene is not clearly established. Functional studies have suggested loss-of-function, gain-of-function and dominant-negative mechanisms based on calcium sensitivity, contractibility and mouse models (PMIDs: 18612386, 32098556, 33025817). (I) 0107 - This gene is associated with autosomal dominant disease. (I) 0115 - Variants in this gene are known to have variable expressivity, e.g., the variant, p.(Arg92Gln), has been reported to cause both DCM and HCM, even within the same family (PMID: 26507537). (I) 0200 - Variant is predicted to result in a missense amino acid change from arginine to cysteine. (I) 0251 - This variant is heterozygous. (I) 0302 - Variant is present in gnomAD <0.001 for a dominant condition (v2 & v3: 150 heterozygotes, 0 homozygotes). (I) 0309 - An alternative amino acid change at the same position has been observed in gnomAD (p.(Arg285His), v2 & v3: 11 heterozygotes, 0 homozygotes). (I) 0504 - Same amino acid change has been observed in placental mammals. (SB) 0600 - Variant is located in the annotated troponin domain (DECIPHER). (I) 0704 - Another missense variant comparable to the one identified in this case has limited previous evidence for pathogenicity. p.(Arg285Pro) has been reported in at least 7 individuals with HCM and has been more recently reported as likely pathogenic/pathogenic (cardiodb, ClinVar, PMID: 24793961). p.(Arg285His), a minor amino acid change, has been reported multiple times as a VUS, including in individuals with HCM (cardiodb, ClinVar, PMID: 33297573). (SP) 0809 - Previous evidence of pathogenicity for this variant is inconclusive. This variant has fourteen VUS, six likely pathogenic and two pathogenic submissions in ClinVar. This variant has been identified in many individuals with HCM however, some of them also have pathogenic variants in other sarcomeric genes (cardiodb, VCGS, PMIDs: 26507537, 12860912, 32228044, 35514357). (I) 0906 - Segregation evidence for this variant is inconclusive. This variant has been reported to have incomplete penetrance and to cause mild and late onset HCM (PMIDs: 20038417, 19150014, 15246915). (I) 1010 - Functional evidence for this variant is inconclusive. Three transgenic mice studies showed that this variant did not cause ventricular tachycardia, significant hypertrophy or ventricular fibrosis. However, transgenic mice cardiac muscle fibres did display significant increases in energy cost, a decrease in maximal force, and an increased Ca2+ sensitivity of force development (PMIDs: 19033660, 16115869, 16777946). A more recent study of transgenic mice showed the variant did not affect Ca2+ sensitivity in myocytes and there was no prolonged action potential in the heart (PMID: 22647877). (I) 1208 - Inheritance information for this variant is not currently available in this individual. (I) Legend: (SP) - Supporting pathogenic, (I) - Information, (SB) - Supporting benign

Laboratory of Medical Genetics, National & Kapodistrian University of Athens
Classification: Likely pathogenic for Dilated cardiomyopathy 1D. Last evaluated: 2021-10-06. Review status: criteria provided, single submitter. Criteria: ACMG Guidelines, 2015. Collection method: clinical testing. Allele origin: unknown. Affected: yes. Not counted in ClinVar's aggregate classification.
Comment: PM5, PP2, PP3, PP5

Johns Hopkins Genomics, Johns Hopkins University
Classification: Uncertain significance for Hypertrophic cardiomyopathy 2; Dilated cardiomyopathy 1D; Cardiomyopathy, familial restrictive, 3. Last evaluated: 2020-05-11. Review status: criteria provided, single submitter. Criteria: ACMG Guidelines, 2015. Collection method: clinical testing. Allele origin: germline. Not counted in ClinVar's aggregate classification.

Mendelics
Classification: Uncertain significance for Hypertrophic cardiomyopathy 2. Last evaluated: 2019-05-28. Review status: criteria provided, single submitter. Criteria: Mendelics Assertion Criteria 2017. Collection method: clinical testing. Allele origin: unknown. Not counted in ClinVar's aggregate classification.

Institute of Human Genetics, University of Leipzig Medical Center
Classification: Uncertain significance for Dilated cardiomyopathy 1D. Last evaluated: 2019-01-01. Review status: criteria provided, single submitter. Criteria: ACMG Guidelines, 2015. Collection method: clinical testing. Allele origin: unknown. Affected: no. Not counted in ClinVar's aggregate classification.

Equipe Genetique des Anomalies du Developpement, Université de Bourgogne
Classification: Uncertain significance for Dilated cardiomyopathy 1D. Last evaluated: 2018-11-21. Review status: criteria provided, single submitter. Criteria: ACMG Guidelines, 2015. Collection method: clinical testing. Allele origin: unknown. Not counted in ClinVar's aggregate classification.

Center for Human Genetics, University of Leuven
Classification: Likely pathogenic for Hypertrophic cardiomyopathy. Last evaluated: 2018-10-31. Review status: criteria provided, single submitter. Criteria: ACMG Guidelines, 2015. Collection method: clinical testing. Allele origin: germline. Affected: yes. Not counted in ClinVar's aggregate classification.

Center for Pediatric Genomic Medicine, Children's Mercy Hospital and Clinics
Classification: Uncertain significance. Last evaluated: 2016-07-29. Review status: criteria provided, single submitter. Criteria: ACMG Guidelines, 2015. Collection method: clinical testing. Allele origin: germline. Not counted in ClinVar's aggregate classification.
ClinVar note: Converted during submission from Uncertain Significance to Uncertain significance.

Agnes Ginges Centre for Molecular Cardiology, Centenary Institute
Classification: Uncertain significance for Familial hypertrophic cardiomyopathy 1. Last evaluated: 2014-09-10. Review status: criteria provided, single submitter. Criteria: Agnes Ginges Centre for Molecular Cardiology criteria (2015). Collection method: research. Allele origin: germline. Inheritance: Autosomal dominant inheritance. Affected: yes. Not counted in ClinVar's aggregate classification.
Comment: This TNNT2 Arg278Cys variant has been described in multiple HCM cohorts (see references) and in genetic screening of one DCM cohort (Millat G. et al., 2011). Segregation with disease has been shown where familial screening was available, though incomplete disease penetrance was observed (Gimeno JR, et al., 2009; García-Castro M, et al., 2007; Miliou A. et al., 2005; Theopistou A. et al., 2004; Watkins H, et al. 1995). The disease phenotype is variable. This mutation has been characterised by late-onset disease with mild hypertrophy but with a high incidence of sudden death. However, severe disease presentation including cardiac arrest events have been reported in young patients (Miliou A. et al., 2005; Theopistou A. et al., 2004; Watkins H. et al., 1995), including one paediatric HCM case (Kaski JP. et al., 2009). It should be noted that genetic analysis of the majority of these studies was limited to a small number of genes, and that additional mutations in other disease causing genes cannot be excluded in these patients. Studies by Gimeno JR. et al (2009) and Kaski JP. et al (2009) report carriers of the TNNT2 Arg278Cys mutation who also have a secondary mutation in another sarcomere gene present with moderate to severe phenotypes. Transgenic mouse models of this mutation did not develop significant hypertrophy or fibrosis (Hernandez OM. et al., (2005), however in vitro functional assays indicate that the mutation affects muscle contraction (Takahashi-Yanaga F. et al., 2001; Morimoto S. et al., 1999). We have detected this variant in 3 unrelated families in our cohort, though 2 families carry an additional "likely pathogenic" or "pathogenic variant" in another known HCM causing gene. Based on the current literature and our data, this variant in isolation may cause a mild phenotype, however further evidence is required to fully establish its role in disease pathogenicity.

Stanford Center for Inherited Cardiovascular Disease, Stanford University
Classification: Uncertain significance. Last evaluated: 2013-05-23. Review status: criteria provided, single submitter. Criteria: ACMG Guidelines, 2015. Collection method: provider interpretation. Allele origin: germline. Not counted in ClinVar's aggregate classification.

Clinical Genetics Service, Universitary Hospital 12 de Octubre
Classification: Likely pathogenic for Hypertrophic cardiomyopathy 2. Review status: criteria provided, single submitter. Criteria: ACMG Guidelines, 2015. Collection method: clinical testing. Allele origin: germline. Affected: yes. Not counted in ClinVar's aggregate classification.

OMIM
Classification: Pathogenic for CARDIOMYOPATHY, FAMILIAL HYPERTROPHIC, 2. Last evaluated: 1999-07-22. Review status: no assertion criteria provided. Collection method: literature only. Allele origin: germline. Not counted in ClinVar's aggregate classification.

Clinical Genetics DNA and cytogenetics Diagnostics Lab, Erasmus MC, Erasmus Medical Center
Classification: Likely pathogenic. Review status: no assertion criteria provided. Collection method: clinical testing. Allele origin: germline. Affected: yes. Study: VKGL Data-share Consensus. Not counted in ClinVar's aggregate classification.

Clinical Genetics, Academic Medical Center
Classification: Likely pathogenic. Review status: no assertion criteria provided. Collection method: clinical testing. Allele origin: germline. Affected: yes. Study: VKGL Data-share Consensus. Not counted in ClinVar's aggregate classification.

Diagnostic Laboratory, Department of Genetics, University Medical Center Groningen
Classification: Likely pathogenic. Review status: no assertion criteria provided. Collection method: clinical testing. Allele origin: germline. Affected: yes. Study: VKGL Data-share Consensus. Not counted in ClinVar's aggregate classification.

Joint Genome Diagnostic Labs from Nijmegen and Maastricht, Radboudumc and MUMC+
Classification: Pathogenic. Review status: no assertion criteria provided. Collection method: clinical testing. Allele origin: germline. Affected: yes. Study: VKGL Data-share Consensus. Not counted in ClinVar's aggregate classification.

Literature cited by the submitters: PubMed 7898523 (cited by 8 submitters); PubMed 10085122 (cited by 7 submitters); PubMed 10405326 (cited by 8 submitters); PubMed 10617660 (cited by 7 submitters); PubMed 12881443 (cited by 3 submitters); PubMed 15246915 (cited by 7 submitters); PubMed 16115869 (cited by 9 submitters); PubMed 20038417 (cited by 7 submitters); PubMed 20624503 (cited by 4 submitters); PubMed 21683708 (cited by 6 submitters); PubMed 21846512 (cited by 5 submitters); PubMed 22500102 (cited by 6 submitters); PubMed 22857948 (cited by 5 submitters); PubMed 24055113 (cited by 3 submitters); PubMed 25611685 (cited by Ambry Genetics and Color Diagnostics, LLC DBA Color Health); PubMed 26507537 (cited by 6 submitters); PubMed 27600940 (cited by Ambry Genetics); PubMed 27930701 (cited by Ambry Genetics).